The following is an entry in ClinVar:

NM_001114748.2(TMEM240):c.180C>T (p.Tyr60=)

Gene: TMEM240 (transmembrane protein 240; minus strand). Cytogenetic location: 1p36.33.
Variant type: single nucleotide variant.
Coding change: c.180C>T on transcript NM_001114748.2 (MANE Select); coding-DNA position 180, C replaced by T.
Protein change: p.Tyr60=; no amino-acid change (tyrosine 60 retained).
Molecular consequence: synonymous variant.
Genome position (GRCh38, 1-based): chr1:1,535,782, G>A on the plus strand (C>T on the coding strand, the complement: TMEM240 is on the minus strand). VCF-style: chr1-1535782-G-A. GRCh37 (hg19) VCF-style: chr1-1471162-G-A.
Identifiers: ClinVar variation 724660 (VCV000724660.16), dbSNP rs376624221, ClinGen allele CA526699.

ClinVar aggregate classification (germline): Likely benign. Review status: criteria provided, multiple submitters, no conflicts (2 of 4 stars). 3 submissions from 3 submitters: Likely benign (3). Last evaluated 2025-03-17.

Allele frequency attached by ClinVar (database versions not stated): TOPMed 0.00008; gnomAD exomes 0.00009 and 0.00010; ExAC 0.00010; gnomAD 0.00010 and 0.00013; 1000 Genomes Project 30x 0.00016; ESP Exome Variant Server 0.00044.
gnomAD v4.1: 160 of 1,549,958 alleles (0.01%); highest among the groups gnomAD compares: East Asian, 0.11%; no homozygotes.

Submissions (3):

Labcorp Genetics (formerly Invitae), Labcorp
Classification: Likely benign. Last evaluated: 2025-03-17. Review status: criteria provided, single submitter. Criteria: Invitae Variant Classification Sherloc (09022015). Collection method: clinical testing. Allele origin: germline.

CeGaT Center for Human Genetics Tuebingen
Classification: Likely benign. Last evaluated: 2025-03-01. Review status: criteria provided, single submitter. Criteria: CeGaT Center For Human Genetics Tuebingen Variant Classification Criteria Version 2. Collection method: clinical testing. Allele origin: germline. Affected: yes. Observed: 1 variant allele.
Comment: TMEM240: BP4, BP7, BS1

Blueprint Genetics
Classification: Likely benign. Last evaluated: 2023-11-03. Review status: criteria provided, single submitter. Criteria: ACMG Guidelines, 2015. Collection method: clinical testing. Allele origin: germline.